The following is an entry in ClinVar:

NM_001194998.2(CEP152):c.3945T>A (p.Tyr1315Ter)

Gene: CEP152 (centrosomal protein 152; minus strand). Cytogenetic location: 15q21.1.
Variant type: single nucleotide variant.
Coding change: c.3945T>A on transcript NM_001194998.2 (MANE Select); coding-DNA position 3945, T replaced by A.
Protein change: p.Tyr1315Ter; replaces tyrosine 1315 with a stop codon.
Molecular consequence: nonsense.
Genome position (GRCh38, 1-based): chr15:48,741,991, A>T on the plus strand (T>A on the coding strand, the complement: CEP152 is on the minus strand). VCF-style: chr15-48741991-A-T. GRCh37 (hg19) VCF-style: chr15-49034188-A-T.
Other names: c.3777T>A, p.Tyr1259Ter (NM_014985.4); short protein forms Y1259*, Y1315*.
Identifiers: ClinVar variation 2836019 (VCV002836019.3), dbSNP rs2504488840, ClinGen allele CA392337602.
Genomic context (GRCh38, chr15:48,741,991, plus strand): 5'-TTCAGACTGAACTCACCCTTCTTTTCCATCATCCTGCAAAATCTGTTGGAGGCAAATCAA[A>T]TAATATTTGCGCATCTTTCGGGCGGTTTCTTGACGTTCTCGCAGTACCTCTGCTTTTACC-3'

ClinVar aggregate classification (germline): Pathogenic (1 of 4 stars; one submission).

Submission:

Labcorp Genetics (formerly Invitae), Labcorp
Classification: Pathogenic. Last evaluated: 2023-02-22. Review status: criteria provided, single submitter. Criteria: Invitae Variant Classification Sherloc (09022015). Collection method: clinical testing. Allele origin: germline.
Comment: For these reasons, this variant has been classified as Pathogenic. This variant has not been reported in the literature in individuals affected with CEP152-related conditions. This variant is not present in population databases (gnomAD no frequency). This sequence change creates a premature translational stop signal (p.Tyr1259*) in the CEP152 gene. It is expected to result in an absent or disrupted protein product. Loss-of-function variants in CEP152 are known to be pathogenic (PMID: 21131973).

Literature cited by the submitters: PubMed 21131973.